The following is an entry in ClinVar:

ClinVar aggregate classification (germline): Uncertain significance. Review status: criteria provided, multiple submitters, no conflicts (2 of 4 stars). 2 submissions from 2 submitters: Uncertain significance (2). Last evaluated 2026-07-13.

Conditions:
Inborn genetic diseases. Identifiers: MedGen C0950123, MeSH D030342.

Submissions (2):

Ambry Genetics
Classification: Uncertain significance for Inborn genetic diseases. Last evaluated: 2026-07-13. Review status: criteria provided, single submitter. Criteria: Ambry Variant Classification Scheme 2023. Collection method: clinical testing. Allele origin: germline.

Labcorp Genetics (formerly Invitae), Labcorp
Classification: Uncertain significance. Last evaluated: 2026-01-28. Review status: criteria provided, single submitter. Criteria: Invitae Variant Classification Sherloc (09022015). Collection method: clinical testing. Allele origin: germline.
Comment: This sequence change replaces serine, which is neutral and polar, with glycine, which is neutral and non-polar, at codon 428 of the DUOX2 protein (p.Ser428Gly). This variant is not present in population databases (gnomAD no frequency). This variant has not been reported in the literature in individuals affected with DUOX2-related conditions. Invitae Evidence Modeling of protein sequence and biophysical properties (such as structural, functional, and spatial information, amino acid conservation, physicochemical variation, residue mobility, and thermodynamic stability) indicates that this missense variant is not expected to disrupt DUOX2 protein function with a negative predictive value of 80%. In summary, the available evidence is currently insufficient to determine the role of this variant in disease. Therefore, it has been classified as a Variant of Uncertain Significance.

NM_001363711.2(DUOX2):c.1282A>G (p.Ser428Gly)

Gene: DUOX2 (dual oxidase 2; minus strand). Cytogenetic location: 15q21.1.
Variant type: single nucleotide variant.
Coding change: c.1282A>G on transcript NM_001363711.2 (MANE Select); coding-DNA position 1282, A replaced by G.
Protein change: p.Ser428Gly; replaces serine 428 with glycine.
Molecular consequence: missense variant.
Genome position (GRCh38, 1-based): chr15:45,108,905, T>C on the plus strand (A>G on the coding strand, the complement: DUOX2 is on the minus strand). VCF-style: chr15-45108905-T-C. GRCh37 (hg19) VCF-style: chr15-45401103-T-C.
Other names: c.1282A>G, p.Ser428Gly (NM_014080.5); c.1282A>G (NM_014080.4); short protein forms S428G.
Identifiers: ClinVar variation 4749623 (VCV004749623.2).
Genomic context (GRCh38, chr15:45,108,905, plus strand): 5'-AGGCCAGCAGGGCCTGGCTATAGCTGGGCAGCCCCATATCTCGGCCACGTTGGATGCTGC[T>C]GGCCACATAGTCTGTACGGGAGAATTTGCCAGGGCCAGGCCAGTAATCTGAAGAGGAGAG-3'
Protein context (NP_001350640.1, residues 418-438): GKFSRTDYVA[Ser428Gly]SIQRGRDMGL